The following is an entry in ClinVar:

ClinVar aggregate classification (germline): Uncertain significance. Review status: criteria provided, multiple submitters, no conflicts (2 of 4 stars). 2 submissions from 2 submitters: Uncertain significance (2). Last evaluated 2025-06-25.

Conditions:
Familial cancer of breast. Also called: BREAST CANCER, FAMILIAL; Hereditary breast cancer; hereditary breast carcinoma. Identifiers: Orphanet 227535, MedGen C0346153, MONDO:0016419, OMIM 114480. Disease mechanism: loss of function.
Hereditary cancer-predisposing syndrome. Also called: Hereditary Cancer Syndrome; Hereditary neoplastic syndrome; Neoplastic Syndromes, Hereditary; Tumor predisposition. Identifiers: Orphanet 140162, MedGen C0027672, MeSH D009386, MONDO:0015356.

Submissions (2):

Ambry Genetics
Classification: Uncertain significance for Hereditary cancer-predisposing syndrome. Last evaluated: 2025-06-25. Review status: criteria provided, single submitter. Criteria: Ambry Variant Classification Scheme 2023. Collection method: clinical testing. Allele origin: germline.
Comment: The p.S24R variant (also known as c.70A>C), located in coding exon 1 of the CHEK2 gene, results from an A to C substitution at nucleotide position 70. The serine at codon 24 is replaced by arginine, an amino acid with dissimilar properties. This amino acid position is poorly conserved in available vertebrate species. In addition, this alteration is predicted to be tolerated by in silico analysis. Based on the available evidence, the clinical significance of this variant remains unclear.

Labcorp Genetics (formerly Invitae), Labcorp
Classification: Uncertain significance for Familial cancer of breast. Last evaluated: 2023-07-08. Review status: criteria provided, single submitter. Criteria: Invitae Variant Classification Sherloc (09022015). Collection method: clinical testing. Allele origin: germline.
Comment: In summary, the available evidence is currently insufficient to determine the role of this variant in disease. Therefore, it has been classified as a Variant of Uncertain Significance. An algorithm developed to predict the effect of missense changes on protein structure and function (PolyPhen-2) suggests that this variant is likely to be tolerated. ClinVar contains an entry for this variant (Variation ID: 1446724). This variant has not been reported in the literature in individuals affected with CHEK2-related conditions. This variant is not present in population databases (gnomAD no frequency). This sequence change replaces serine, which is neutral and polar, with arginine, which is basic and polar, at codon 24 of the CHEK2 protein (p.Ser24Arg).

NM_007194.4(CHEK2):c.70A>C (p.Ser24Arg)

Gene: CHEK2 (checkpoint kinase 2; minus strand). Cytogenetic location: 22q12.1.
Variant type: single nucleotide variant.
Coding change: c.70A>C on transcript NM_007194.4 (MANE Select); coding-DNA position 70, A replaced by C.
Protein change: p.Ser24Arg; replaces serine 24 with arginine.
Molecular consequence: missense variant.
Genome position (GRCh38, 1-based): chr22:28,734,652, T>G on the plus strand (A>C on the coding strand, the complement: CHEK2 is on the minus strand). VCF-style: chr22-28734652-T-G. GRCh37 (hg19) VCF-style: chr22-29130640-T-G.
Other names: c.70A>C, p.Ser24Arg (NM_001005735.3, NM_001349956.3, NM_145862.3); c.-708A>C (NM_001257387.3); c.70A>C (NM_007194.3); short protein forms S24R.
Identifiers: ClinVar variation 1446724 (VCV001446724.8), dbSNP rs2146153708, ClinGen allele CA411091700.